The following is an entry in ClinVar:

NM_000136.3(FANCC):c.1534-1G>C

Genes: FANCC (FA complementation group C; minus strand), AOPEP (aminopeptidase O (putative); plus strand). Cytogenetic location: 9q22.32.
Variant type: single nucleotide variant.
Coding change: c.1534-1G>C on transcript NM_000136.3 (MANE Select); the canonical splice acceptor site of the intron before coding-DNA position 1534, G replaced by C.
Molecular consequence: splice acceptor variant.
Genome position (GRCh38, 1-based): chr9:95,101,851, C>G on the plus strand (G>C on the coding strand, the complement: FANCC is on the minus strand). VCF-style: chr9-95101851-C-G. GRCh37 (hg19) VCF-style: chr9-97864133-C-G.
Other names: c.1534-1G>C (NM_001243743.2).
Identifiers: ClinVar variation 4532885 (VCV004532885.1).

ClinVar aggregate classification (germline): Uncertain significance (1 of 4 stars; one submission).

gnomAD v4.1: 1 of 1,613,932 alleles (0.000062%); highest among the groups gnomAD compares: South Asian, 0.0011%; no homozygotes.

Submission:

Quest Diagnostics Nichols Institute San Juan Capistrano
Classification: Uncertain significance. Last evaluated: 2024-12-16. Review status: criteria provided, single submitter. Criteria: Quest Diagnostics criteria. Collection method: clinical testing. Allele origin: unknown.
Comment: The FANCC c.1534-1G>C variant has not been reported in individuals with FANCC-related conditions in the published literature. This variant disrupts a canonical splice-acceptor site and is predicted to interfere with normal FANCC mRNA splicing, but nonsense-mediated decay is not expected to occur. The frequency of this variant in the general population (Genome Aggregation Database) is uninformative in the assessment of its pathogenicity. Due to the unsupported FANCC heterozygote risk association with cancer, and based on the available information, we are unable to determine the clinical significance of this variant.

Literature cited by the submitters: PubMed 38459613.